The following is an entry in ClinVar:

NM_017662.5(TRPM6):c.1109T>C (p.Met370Thr)

Gene: TRPM6 (transient receptor potential cation channel subfamily M member 6; minus strand). Cytogenetic location: 9q21.13.
Variant type: single nucleotide variant.
Coding change: c.1109T>C on transcript NM_017662.5 (MANE Select); coding-DNA position 1109, T replaced by C.
Protein change: p.Met370Thr; replaces methionine 370 with threonine.
Molecular consequence: missense variant.
Genome position (GRCh38, 1-based): chr9:74,820,329, A>G on the plus strand (T>C on the coding strand, the complement: TRPM6 is on the minus strand). VCF-style: chr9-74820329-A-G. GRCh37 (hg19) VCF-style: chr9-77435245-A-G.
Other names: p.Met370Thr; c.1094T>C, p.Met365Thr (NM_001177310.2, NM_001177311.2); short protein forms M370T, M365T.
Identifiers: ClinVar variation 4541448 (VCV004541448.1).

ClinVar aggregate classification (germline): Uncertain significance (1 of 4 stars; one submission).

Submission:

Mayo Clinic Laboratories, Mayo Clinic
Classification: Uncertain significance. Last evaluated: 2025-10-15. Review status: criteria provided, single submitter. Criteria: ACMG Guidelines, 2015. Collection method: clinical testing. Allele origin: germline. Observed: 1 variant allele.
Comment: PM2_supporting